The following is an entry in ClinVar:

NM_001367624.2(ZNF469):c.6664dup (p.Leu2222fs)

Gene: ZNF469 (zinc finger protein 469; plus strand). Cytogenetic location: 16q24.2.
Variant type: Duplication.
Coding change: c.6664dup on transcript NM_001367624.2 (MANE Select); coding-DNA position 6664, one base duplicated (C; older notation c.6664dupC).
Protein change: p.Leu2222fs; shifts the reading frame from leucine 2222.
Molecular consequence: frameshift variant.
Genome position (GRCh38, 1-based): chr16:88,434,134, C duplicated; the last of 5 consecutive C bases (chr16:88,434,130-88,434,134); duplicating any one gives the same sequence. VCF-style (leftmost placement, unchanged base first): chr16-88434129-G-GC. GRCh37 (hg19) VCF-style: chr16-88500537-G-GC.
Other names: short protein forms L2222fs.
Identifiers: ClinVar variation 423017 (VCV000423017.1), dbSNP rs1361564558, ClinGen allele CA16620284.
Genomic context (GRCh38, chr16:88,434,129, plus strand): 5'-CAACAAGCCCCTGCGATCCCAAGGAAGCCCTGGCTGGTTGCCTTCTCCAGGGGGAGGGCA[G>GC]CCCCCTGGAAGACCCTTCCTCCTGGCCTCCTGGCTCCGTCAGTGCTGTAACCTGCACTCA-3'

ClinVar aggregate classification (germline): Likely pathogenic (1 of 4 stars; one submission).

Submission:

GeneDx
Classification: Likely pathogenic. Last evaluated: 2017-01-16. Review status: criteria provided, single submitter. Criteria: GeneDx Variant Classification (06012015). Collection method: clinical testing. Allele origin: germline. Affected: yes.
Comment: Although the c.6580dupC pathogenic variant in the ZNF469 gene has not been reported to our knowledge, this variant causes a shift in reading frame starting at codon leucine (Leu) 2194, changing it to a proline (Pro), and creating a premature stop codon at position 75 of the new reading frame, denoted pLeu219ProfsX75. This likely pathogenic variant is expected to result in an abnormal, truncated protein product as the last 1732 amino acid residues of the protein are replaced with 74 incorrect amino acid residues. Other frameshift variants in the ZNF469 gene have been reported in the Human Gene Mutation Database in association with BCS1 (Stenson et al., 2014). Furthermore, the c.6580dupC variant was not observed in approximately 2,300 individuals of European and African American ancestry in the NHLBI Exome Sequencing Project, indicating it is not a common benign variant in these populations.